The following is an entry in ClinVar:

NM_016562.4(TLR7):c.1139_1140del (p.Tyr380fs)

Gene: TLR7 (toll like receptor 7; plus strand). Cytogenetic location: Xp22.2.
Variant type: Microsatellite.
Coding change: c.1139_1140del on transcript NM_016562.4 (MANE Select); coding-DNA positions 1139 to 1140, 2 bases deleted (AT; older notation c.1139_1140delAT).
Protein change: p.Tyr380fs; shifts the reading frame from tyrosine 380.
Molecular consequence: frameshift variant.
Genome position (GRCh38, 1-based): chrX:12,886,647-12,886,648, AT deleted; deleting any 2 consecutive bases within chrX:12,886,645-12,886,648 gives the same sequence; the c. name uses the placement nearest the transcript's 3' end. VCF-style (leftmost placement, unchanged base first): chrX-12886644-GAT-G. GRCh37 (hg19) VCF-style: chrX-12904763-GAT-G.
Other names: short protein forms Y380fs.
Identifiers: ClinVar variation 2747417 (VCV002747417.3), dbSNP rs2518438033, ClinGen allele CA2697552852.

ClinVar aggregate classification (germline): Uncertain significance (1 of 4 stars; one submission).

Submission:

Labcorp Genetics (formerly Invitae), Labcorp
Classification: Uncertain significance. Last evaluated: 2023-07-27. Review status: criteria provided, single submitter. Criteria: Invitae Variant Classification Sherloc (09022015). Collection method: clinical testing. Allele origin: germline.
Comment: In summary, the available evidence is currently insufficient to determine the role of this variant in disease. Therefore, it has been classified as a Variant of Uncertain Significance. Experimental studies and prediction algorithms are not available or were not evaluated, and the functional significance of this variant is currently unknown. This variant has not been reported in the literature in individuals affected with TLR7-related conditions. This variant is not present in population databases (gnomAD no frequency). This sequence change creates a premature translational stop signal (p.Tyr380Cysfs*3) in the TLR7 gene. While this is not anticipated to result in nonsense mediated decay, it is expected to disrupt the last 670 amino acid(s) of the TLR7 protein.